The following is an entry in ClinVar:

ClinVar aggregate classification (germline): Uncertain significance. Review status: criteria provided, multiple submitters, no conflicts (2 of 4 stars). 4 submissions from 4 submitters: Uncertain significance (4). Last evaluated 2025-05-04.

Conditions:
EGF-related disorder. Also called: EGF-related condition.
Renal hypomagnesemia 4. Also called: HYPOMAGNESEMIA, RENAL, NORMOCALCIURIC. Identifiers: Orphanet 34527, MedGen C2673648, MONDO:0012717, OMIM 611718.

Allele frequency attached by ClinVar (database versions not stated): gnomAD exomes 0.00001 and 0.00005; ExAC 0.00002; gnomAD 0.00003 and 0.00005; TOPMed 0.00007.
gnomAD v4.1: 30 of 1,614,020 alleles (0.0019%); highest among the groups gnomAD compares: Admixed American, 0.022%; no homozygotes.

Submissions (4):

Labcorp Genetics (formerly Invitae), Labcorp
Classification: Uncertain significance. Last evaluated: 2025-05-04. Review status: criteria provided, single submitter. Criteria: Invitae Variant Classification Sherloc (09022015). Collection method: clinical testing. Allele origin: germline.
Comment: This sequence change replaces lysine, which is basic and polar, with threonine, which is neutral and polar, at codon 296 of the EGF protein (p.Lys296Thr). This variant is present in population databases (rs760127815, gnomAD 0.03%). This variant has not been reported in the literature in individuals affected with EGF-related conditions. ClinVar contains an entry for this variant (Variation ID: 1350941). An algorithm developed to predict the effect of missense changes on protein structure and function (PolyPhen-2) suggests that this variant is likely to be disruptive. In summary, the available evidence is currently insufficient to determine the role of this variant in disease. Therefore, it has been classified as a Variant of Uncertain Significance.

Ambry Genetics
Classification: Uncertain significance. Last evaluated: 2025-04-10. Review status: criteria provided, single submitter. Criteria: Ambry Variant Classification Scheme 2023. Collection method: clinical testing. Allele origin: germline.

PreventionGenetics, part of Exact Sciences
Classification: Uncertain significance for EGF-related condition. Last evaluated: 2023-08-05. Review status: criteria provided, single submitter. Criteria: ACMG Guidelines, 2015. Collection method: clinical testing. Allele origin: germline.
Comment: The EGF c.887A>C variant is predicted to result in the amino acid substitution p.Lys296Thr. To our knowledge, this variant has not been reported in the literature. This variant is reported in 0.029% of alleles in individuals of Latino descent in gnomAD. At this time, the clinical significance of this variant is uncertain due to the absence of conclusive functional and genetic evidence.

Fulgent Genetics
Classification: Uncertain significance for Renal hypomagnesemia 4. Last evaluated: 2021-10-15. Review status: criteria provided, single submitter. Criteria: ACMG Guidelines, 2015. Collection method: clinical testing. Allele origin: unknown.

NM_001963.6(EGF):c.887A>C (p.Lys296Thr)

Gene: EGF (epidermal growth factor; plus strand). Cytogenetic location: 4q25.
Variant type: single nucleotide variant.
Coding change: c.887A>C on transcript NM_001963.6 (MANE Select); coding-DNA position 887, A replaced by C.
Protein change: p.Lys296Thr; replaces lysine 296 with threonine.
Molecular consequence: missense variant.
Genome position (GRCh38, 1-based): chr4:109,945,222, A>C. VCF-style: chr4-109945222-A-C. GRCh37 (hg19) VCF-style: chr4-110866378-A-C.
Other names: c.887A>C (NM_001963.4, NM_001963.5); c.887A>C, p.Lys296Thr (NM_001178130.3, NM_001178131.3, NM_001357021.2); short protein forms K296T.
Identifiers: ClinVar variation 1350941 (VCV001350941.8), dbSNP rs760127815, ClinGen allele CA3043508.
Genomic context (GRCh38, chr4:109,945,222, plus strand): 5'-CTGGAAAGGACATGGTTAGAATTAACCTCCATTCATCATTTGTACCACTTGGTGAACTGA[A>C]AGTAGTGCATCCACTTGCACAACCCAAGGCAGAAGATGACACTTGGGAGCCTGGTGAGTC-3'
Protein context (NP_001954.2, residues 286-306): HSSFVPLGEL[Lys296Thr]VVHPLAQPKA